The following is an entry in ClinVar:

ClinVar aggregate classification (germline): Uncertain significance. Review status: criteria provided, multiple submitters, no conflicts (2 of 4 stars). 2 submissions from 2 submitters: Uncertain significance (2). Last evaluated 2025-02-20.

Conditions:
Cardiovascular phenotype. Identifiers: MedGen CN230736.
Long QT syndrome (LQTS). Identifiers: MedGen C0023976, MeSH D008133, MONDO:0002442. Disease mechanism: loss of function. Inheritance: Various modes of inheritance.

Allele frequency attached by ClinVar (database versions not stated): gnomAD exomes 0.00001; TOPMed 0.00001.
gnomAD v4.1: 3 of 1,613,916 alleles (0.00019%); highest among the groups gnomAD compares: Non-Finnish European, 0.00025%; no homozygotes.

Submissions (2):

Ambry Genetics
Classification: Uncertain significance for Cardiovascular phenotype. Last evaluated: 2025-02-20. Review status: criteria provided, single submitter. Criteria: Ambry Variant Classification Scheme 2023. Collection method: clinical testing. Allele origin: germline.
Comment: The p.M398I variant (also known as c.1194G>A), located in coding exon 8 of the AKAP9 gene, results from a G to A substitution at nucleotide position 1194. The methionine at codon 398 is replaced by isoleucine, an amino acid with highly similar properties. This amino acid position is highly conserved in available vertebrate species. In addition, this alteration is predicted to be tolerated by in silico analysis. Based on the available evidence, the clinical significance of this alteration remains unclear.

Labcorp Genetics (formerly Invitae), Labcorp
Classification: Uncertain significance for Long QT syndrome. Last evaluated: 2024-05-15. Review status: criteria provided, single submitter. Criteria: Invitae Variant Classification Sherloc (09022015). Collection method: clinical testing. Allele origin: germline.
Comment: This sequence change replaces methionine, which is neutral and non-polar, with isoleucine, which is neutral and non-polar, at codon 398 of the AKAP9 protein (p.Met398Ile). This variant is present in population databases (no rsID available, gnomAD 0.002%). This variant has not been reported in the literature in individuals affected with AKAP9-related conditions. ClinVar contains an entry for this variant (Variation ID: 2154355). An algorithm developed to predict the effect of missense changes on protein structure and function (PolyPhen-2) suggests that this variant is likely to be disruptive. In summary, the available evidence is currently insufficient to determine the role of this variant in disease. Therefore, it has been classified as a Variant of Uncertain Significance.

NM_005751.5(AKAP9):c.1194G>A (p.Met398Ile)

Gene: AKAP9 (A-kinase anchoring protein 9; plus strand). Cytogenetic location: 7q21.2.
Variant type: single nucleotide variant.
Coding change: c.1194G>A on transcript NM_005751.5 (MANE Select); coding-DNA position 1194, G replaced by A.
Protein change: p.Met398Ile; replaces methionine 398 with isoleucine.
Molecular consequence: missense variant.
Genome position (GRCh38, 1-based): chr7:92,001,111, G>A. VCF-style: chr7-92001111-G-A. GRCh37 (hg19) VCF-style: chr7-91630425-G-A.
Other names: c.1194G>A, p.Met398Ile (NM_147185.3); short protein forms M398I.
Identifiers: ClinVar variation 2154355 (VCV002154355.5), dbSNP rs1019010778, ClinGen allele CA161906742.